The following is an entry in ClinVar:

NM_005445.4(SMC3):c.1226A>G (p.Lys409Arg)

Gene: SMC3 (structural maintenance of chromosomes 3; plus strand). Cytogenetic location: 10q25.2.
Variant type: single nucleotide variant.
Coding change: c.1226A>G on transcript NM_005445.4 (MANE Select); coding-DNA position 1226, A replaced by G.
Protein change: p.Lys409Arg; replaces lysine 409 with arginine.
Molecular consequence: missense variant.
Genome position (GRCh38, 1-based): chr10:110,584,317, A>G. VCF-style: chr10-110584317-A-G. GRCh37 (hg19) VCF-style: chr10-112344075-A-G.
Other names: short protein forms K409R.
Identifiers: ClinVar variation 1707806 (VCV001707806.2), dbSNP rs2493117710, ClinGen allele CA378384013.

ClinVar aggregate classification (germline): Uncertain significance (1 of 4 stars; one submission).

Submission:

GeneDx
Classification: Uncertain significance. Last evaluated: 2022-03-31. Review status: criteria provided, single submitter. Criteria: GeneDx Variant Classification Process June 2021. Collection method: clinical testing. Allele origin: germline. Affected: yes.
Comment: Not observed at significant frequency in large population cohorts (gnomAD); In silico analysis supports that this missense variant does not alter protein structure/function; Has not been previously published as pathogenic or benign to our knowledge